The following is an entry in ClinVar:

ClinVar aggregate classification (germline): Likely benign (1 of 4 stars; one submission).

gnomAD v4.1: 1 of 1,614,030 alleles (0.000062%); highest among the groups gnomAD compares: Non-Finnish European, 0.000085%; no homozygotes.

Submission:

CeGaT Center for Human Genetics Tuebingen
Classification: Likely benign. Last evaluated: 2025-12-01. Review status: criteria provided, single submitter. Criteria: CeGaT Center For Human Genetics Tuebingen Variant Classification Criteria Version 2. Collection method: clinical testing. Allele origin: germline. Affected: yes. Observed: 1 variant allele.
Comment: PLCE1: BP4, BP7

NM_016341.4(PLCE1):c.3201T>C (p.Asn1067=)

Gene: PLCE1 (phospholipase C epsilon 1; plus strand). Cytogenetic location: 10q23.33.
Variant type: single nucleotide variant.
Coding change: c.3201T>C on transcript NM_016341.4 (MANE Select); coding-DNA position 3201, T replaced by C.
Protein change: p.Asn1067=; no amino-acid change (asparagine 1067 retained).
Molecular consequence: synonymous variant.
Genome position (GRCh38, 1-based): chr10:94,252,420, T>C. VCF-style: chr10-94252420-T-C. GRCh37 (hg19) VCF-style: chr10-96012177-T-C.
Other names: c.2277T>C, p.Asn759= (NM_001165979.2); c.3201T>C, p.Asn1067= (NM_001288989.2).
Identifiers: ClinVar variation 4682079 (VCV004682079.5).